The following is an entry in ClinVar:

NM_000257.4(MYH7):c.1447G>A (p.Glu483Lys)

Gene: MYH7 (myosin heavy chain 7; minus strand). Cytogenetic location: 14q11.2.
Variant type: single nucleotide variant.
Coding change: c.1447G>A on transcript NM_000257.4 (MANE Select); coding-DNA position 1447, G replaced by A.
Protein change: p.Glu483Lys; replaces glutamic acid 483 with lysine.
Molecular consequence: missense variant.
Genome position (GRCh38, 1-based): chr14:23,428,631, C>T on the plus strand (G>A on the coding strand, the complement: MYH7 is on the minus strand). VCF-style: chr14-23428631-C-T. GRCh37 (hg19) VCF-style: chr14-23897840-C-T.
Other names: c.1447G>A, p.Glu483Lys (LRG_384t1); c.1447G>A (NM_000257.2); short protein forms E483K.
Identifiers: ClinVar variation 14119 (VCV000014119.25), dbSNP rs121913651, ClinGen allele CA010768.
Genomic context (GRCh38, chr14:23,428,631, plus strand): 5'-TCTTGTACTCCTCCTGCTCCAGCACAAACATGTGGTGGTTGAAGAACTGCTGCAGCTTCT[C>T]GTTGGTGAAGTTGATGCAGAGCTGCTCAAAGCTGTTGAACTGCAGGGGGCATGAGGGGTG-3'
Protein context (NP_000248.2, residues 473-493): FEQLCINFTN[Glu483Lys]KLQQFFNHHM

ClinVar aggregate classification (germline): Pathogenic/Likely pathogenic. Review status: criteria provided, multiple submitters, no conflicts (2 of 4 stars). 16 submissions from 16 submitters: Pathogenic (6); Likely pathogenic (8). 2 of the submissions do not count toward it. Last evaluated 2026-05-22.

Conditions:
MYH7-related disorder. Also called: MYH7-related condition; MYH7-related disease; MYH7-related disorders.
Cardiovascular phenotype. Identifiers: MedGen CN230736.
Cardiomyopathy (CMYO). Also called: Cardiomyopathies. Identifiers: Orphanet 167848, MedGen C0878544, MONDO:0004994, HP:0001638. Inheritance: Various modes of inheritance.
Hypertrophic cardiomyopathy 1 (CMH1). Also called: MYH7-Related Familial Hypertrophic Cardiomyopathy; Familial hypertrophic cardiomyopathy 1. Identifiers: MedGen C3495498, MONDO:0008647, OMIM 192600.
MYH7-related skeletal myopathy. Also called: Laing distal myopathy; Laing early-onset distal myopathy; Myopathy, distal, 1; MYOPATHY, DISTAL, EARLY-ONSET, AUTOSOMAL DOMINANT; MYOPATHY, LATE DISTAL HEREDITARY. Identifiers: Orphanet 59135, MedGen C4552004, MONDO:0008050, OMIM 160500.
Hypertrophic cardiomyopathy. Also called: HYPERTROPHIC MYOCARDIOPATHY. Identifiers: Orphanet 217569, MedGen C0007194, MeSH D002312, MONDO:0005045, HP:0001639.

Allele frequency attached by ClinVar (database versions not stated): gnomAD exomes below 0.00001 and 0.00001; TOPMed below 0.00001; ExAC 0.00001; gnomAD 0.00001.
gnomAD v4.1: 12 of 1,614,012 alleles (0.00074%); highest among the groups gnomAD compares: Non-Finnish European, 0.001%; no homozygotes.

Submissions 1 to 7 of 16:

GeneDx
Classification: Likely pathogenic. Last evaluated: 2026-05-22. Review status: criteria provided, single submitter. Criteria: GeneDx Variant Classification Process June 2021. Collection method: clinical testing. Allele origin: germline.
Comment: Reported in association with HCM in published literature (PMID: 24111713, 10424815, 12707239, 25351510, 27532257, 37652022, 35653365, 36264615); Identified in several individuals with HCM from a single large family; a few individuals also have a pathogenic nonsense variant in the MYBPC3 gene and the individuals with both variants were described as showing a greater degree of hypertrophy than those with only one variant (PMID: 10424815, 12707239); Not observed at significant frequency in large population cohorts (gnomAD); In silico analysis supports that this missense variant has a deleterious effect on protein structure/function; This variant is associated with the following publications: (PMID: 39448255, 22874472, 34495297, 35753512, 12110947, 28606303, 18761664, 35653365, 25351510, 12707239, 27532257, 24111713, 10424815, 29300372, 36264615, 37652022, 37937776, 36136372, 39545406, 33495597, 12797239, 24704860, 28378410, 33495596)

Labcorp Genetics (formerly Invitae), Labcorp
Classification: Pathogenic for Hypertrophic cardiomyopathy. Last evaluated: 2025-09-23. Review status: criteria provided, single submitter. Criteria: Invitae Variant Classification Sherloc (09022015). Collection method: clinical testing. Allele origin: germline.
Comment: This sequence change replaces glutamic acid, which is acidic and polar, with lysine, which is basic and polar, at codon 483 of the MYH7 protein (p.Glu483Lys). This variant is present in population databases (rs121913651, gnomAD 0.002%). This missense change has been observed in individuals with hypertrophic cardiomyopathy (PMID: 10424815, 24111713, 27532257). It has also been observed to segregate with disease in related individuals. ClinVar contains an entry for this variant (Variation ID: 14119). Invitae Evidence Modeling of protein sequence and biophysical properties (such as structural, functional, and spatial information, amino acid conservation, physicochemical variation, residue mobility, and thermodynamic stability) indicates that this missense variant is expected to disrupt MYH7 protein function with a positive predictive value of 95%. For these reasons, this variant has been classified as Pathogenic.

Clinical Genetics Laboratory, Skane University Hospital Lund
Classification: Likely pathogenic for Hypertrophic cardiomyopathy 1. Last evaluated: 2025-04-16. Review status: criteria provided, single submitter. Criteria: ACMG Guidelines, 2015. Collection method: clinical testing. Allele origin: germline. Affected: yes.
Comment: ACMG criteria used: PS4, PM1, PP1, PP3

Clinical Genomics Laboratory, Washington University in St. Louis
Classification: Likely pathogenic for Hypertrophic cardiomyopathy 1. Last evaluated: 2024-09-23. Review status: criteria provided, single submitter. Criteria: ACMG Guidelines, 2015. Collection method: clinical testing. Allele origin: germline. Affected: yes.
Comment: The MYH7 c.1447G>A (p.Glu483Lys) variant has been reported in multiple unrelated individuals affected with hypertrophic cardiomyopathy and is reported to segregate with disease in six individuals in one family (Berge KE and Leren TP, PMID: 24111713; Richard P et al., PMID: 10424815; Walsh R et al., PMID: 27532257). Two of those individuals also harbored a pathogenic variant in MYBPC3 and displayed more severe hypertrophy than those with the MYH7 c.1447G>A variant alone (Richard P et al., PMID: 10424815). This variant is only observed on 2/282,856 alleles in the general population (gnomAD v.2.1.1), indicating it is not a common variant. This variant resides within the myosin motor domain of MYH7 that is defined as a critical functional domain and is significantly overrepresented in individuals with hypertrophic cardiomyopathy (Walsh R et al., PMID: 27532257). Computational predictors indicate that the variant is damaging, evidence that correlates with impact to MYH7 function. This variant has been reported in the ClinVar database as a germline pathogenic or likely pathogenic variant by nine submitters and a variant of uncertain significance by one submitter. Based on available information, the ACMG/AMP guidelines for variant interpretation (Richards S et al., PMID: 25741868) and gene-specific practices from the ClinGen Criteria Specification Registry, this variant is classified as likely pathogenic.

Ambry Genetics
Classification: Pathogenic for Cardiovascular phenotype. Last evaluated: 2024-02-28. Review status: criteria provided, single submitter. Criteria: Ambry Variant Classification Scheme 2023. Collection method: clinical testing. Allele origin: germline.
Comment: The p.E483K pathogenic mutation (also known as c.1447G>A), located in coding exon 13 of the MYH7 gene, results from a G to A substitution at nucleotide position 1447. The glutamic acid at codon 483 is replaced by lysine, an amino acid with similar properties. This alteration is located in the myosin head domain, which contains a statistically significant clustering of pathogenic missense variants (Homburger JR et al. Proc Natl Acad Sci U S A, 2016 06;113:6701-6; Walsh R et al. Genet Med, 2017 02;19:192-203; Ambry internal data). This variant was detected in a family with hypertrophic cardiomyopathy (HCM) where it occurred alone in four affected individuals and co-occurred with an MYBPC3 alteration in two affected individuals with more significant hypertrophy (Richard P et al. J. Med. Genet., 1999 Jul;36:542-5). This variant has also been detected in multiple additional individuals from HCM cohorts (Berge KE et al. Clin. Genet., 2014 Oct;86:355-60; Lopes LR et al. Heart, 2015 Feb;101:294-301; Walsh R et al. Genet. Med., 2017 02;19:192-203; Stava TT et al. Eur J Prev Cardiol. 2022 Oct;29(13):1789-1799). This amino acid position is highly conserved in available vertebrate species. In addition, this alteration is predicted to be deleterious by in silico analysis. Based on the supporting evidence, this alteration is interpreted as a disease-causing mutation.

Blueprint Genetics
Classification: Likely pathogenic for MYH7-related disorders. Last evaluated: 2024-02-27. Review status: criteria provided, single submitter. Criteria: ACMG Guidelines, 2015. Collection method: clinical testing. Allele origin: germline. Affected: yes. Observed: 3 variant alleles.

All of Us Research Program, National Institutes of Health
Classification: Likely pathogenic for Hypertrophic cardiomyopathy. Last evaluated: 2024-01-08. Review status: criteria provided, single submitter. Criteria: ACMG Guidelines, 2015. Collection method: clinical testing. Allele origin: germline. Inheritance: Autosomal dominant inheritance. Observed: 1 variant allele, 1 heterozygote.
Comment: This missense variant replaces glutamic acid with lysine at codon 483 of the MYH7 protein. This variant is found within a highly conserved region of the myosin head domain. Computational prediction suggests that this variant may have a deleterious impact on protein structure and function (internally defined REVEL score threshold >= 0.7, PMID: 27666373). Missense variants in this region have been shown to be significantly overrepresented in individuals with hypertrophic cardiomyopathy (PMID: 27532257). To our knowledge, functional studies have not been reported for this variant. This variant has been reported in at least six unrelated individuals affected with hypertrophic cardiomyopathy (PMID: 10424815, 12797239, 24111713, 24704860, 25351510, 27532257, 28378410, 33495596, 33495597). It has been shown that this variant segregates with disease in multiple individuals from one family (PMID: 10424815). Some of these individuals also carried a pathogenic variant in the MYBPC3 gene that could explain the observation of a more severely affected phenotype (PMID: 10424815). This variant has been identified in 2/282856 chromosomes in the general population by the Genome Aggregation Database (gnomAD). Based on the available evidence, this variant is classified as Likely Pathogenic.

This study involves interpretation of variants in research participants for the purpose of population health screening. Participant phenotype was not available at the time of variant classification. Additional details can be found in publication PMID: 35346344, PMCID: PMC8962531